The following is an entry in ClinVar:

ClinVar aggregate classification (germline): Uncertain significance (1 of 4 stars; one submission).

Conditions:
Primary ciliary dyskinesia. Also called: Ciliary dyskinesia. Identifiers: Orphanet 244, MedGen C0008780, MONDO:0016575, HP:0012265.

gnomAD v4.1: 1 of 1,614,156 alleles (0.000062%); highest among the groups gnomAD compares: South Asian, 0.0011%; no homozygotes.

Submission:

Labcorp Genetics (formerly Invitae), Labcorp
Classification: Uncertain significance for Primary ciliary dyskinesia. Last evaluated: 2025-02-17. Review status: criteria provided, single submitter. Criteria: Invitae Variant Classification Sherloc (09022015). Collection method: clinical testing. Allele origin: germline.
Comment: This sequence change replaces leucine, which is neutral and non-polar, with proline, which is neutral and non-polar, at codon 4009 of the DNAH8 protein (p.Leu4009Pro). This variant is present in population databases (rs763427413, gnomAD 0.003%). This variant has not been reported in the literature in individuals affected with DNAH8-related conditions. Invitae Evidence Modeling of protein sequence and biophysical properties (such as structural, functional, and spatial information, amino acid conservation, physicochemical variation, residue mobility, and thermodynamic stability) indicates that this missense variant is not expected to disrupt DNAH8 protein function with a negative predictive value of 80%. In summary, the available evidence is currently insufficient to determine the role of this variant in disease. Therefore, it has been classified as a Variant of Uncertain Significance.

NM_001206927.2(DNAH8):c.12026T>C (p.Leu4009Pro)

Genes: DNAH8 (dynein axonemal heavy chain 8; plus strand), DNAH8-AS1 (DNAH8 antisense RNA 1; minus strand). Cytogenetic location: 6p21.2.
Variant type: single nucleotide variant.
Coding change: c.12026T>C on transcript NM_001206927.2 (MANE Select); coding-DNA position 12026, T replaced by C.
Protein change: p.Leu4009Pro; replaces leucine 4009 with proline.
Molecular consequence: missense variant.
Genome position (GRCh38, 1-based): chr6:38,945,485, T>C. VCF-style: chr6-38945485-T-C. GRCh37 (hg19) VCF-style: chr6-38913261-T-C.
Other names: c.11375T>C, p.Leu3792Pro (NM_001371.4); short protein forms L4009P, L3792P.
Identifiers: ClinVar variation 4776183 (VCV004776183.1).
Genomic context (GRCh38, chr6:38,945,485, plus strand): 5'-TACAGGCTTACCCAATTCACCCTGTCTGACGCTCTTCCCCAGGGGGAGCAGCTCTGGACC[T>C]GAAAGCCTGTCCTCCCAAACCCTATCGCTGGATCCTTGACATGACTTGGCTGAATCTTGT-3'
Protein context (NP_001193856.1, residues 3999-4019): ALIKGGAALD[Leu4009Pro]KACPPKPYRW